The following is an entry in ClinVar:

NM_000027.4(AGA):c.281+13T>G

Gene: AGA (aspartylglucosaminidase; minus strand). Cytogenetic location: 4q34.3.
Variant type: single nucleotide variant.
Coding change: c.281+13T>G on transcript NM_000027.4 (MANE Select); 13 bases into the intron after coding-DNA position 281, T replaced by G.
Molecular consequence: intron variant.
Genome position (GRCh38, 1-based): chr4:177,440,260, A>C on the plus strand (T>G on the coding strand, the complement: AGA is on the minus strand). VCF-style: chr4-177440260-A-C. GRCh37 (hg19) VCF-style: chr4-178361414-A-C.
Other names: c.281+13T>G (NM_001171988.2).
Identifiers: ClinVar variation 92307 (VCV000092307.30), dbSNP rs34241758, ClinGen allele CA145608.

ClinVar aggregate classification (germline): Benign/Likely benign. Review status: criteria provided, multiple submitters, no conflicts (2 of 4 stars). 11 submissions from 11 submitters: Benign (8); Likely benign (1). 2 of the submissions do not count toward it. Last evaluated 2026-02-04.

Conditions:
Aspartylglucosaminuria (AGU). Also called: Aspartylglucos-aminuria; Aspartylglucos-amidase (AGA) deficiency; AGA DEFICIENCY; GLYCOASPARAGINASE; GLYCOSYLASPARAGINASE DEFICIENCY. Identifiers: Orphanet 93, MedGen C0268225, MONDO:0008830, OMIM 208400, HP:0012068.

Allele frequency attached by ClinVar (database versions not stated): 1000 Genomes Project 0.14956; 1000 Genomes Project 30x 0.14975; TOPMed 0.18691; gnomAD 0.19071 and 0.19395; ExAC 0.19104; gnomAD exomes 0.19401 and 0.21439; ESP Exome Variant Server 0.19676.
gnomAD v4.1: 342,514 of 1,612,882 alleles (21%); highest among the groups gnomAD compares: Middle Eastern, 27%; 37,680 homozygotes.

Submissions (14):

Labcorp Genetics (formerly Invitae), Labcorp
Classification: Benign for Aspartylglucosaminuria. Last evaluated: 2026-02-04. Review status: criteria provided, single submitter. Criteria: Invitae Variant Classification Sherloc (09022015). Collection method: clinical testing. Allele origin: germline.

Blueprint Genetics
Classification: Benign. Last evaluated: 2024-11-26. Review status: criteria provided, single submitter. Criteria: ACMG Guidelines, 2015. Collection method: clinical testing. Allele origin: germline.

Genome-Nilou Lab
Classification: Benign for Aspartylglucosaminuria. Last evaluated: 2021-07-10. Review status: criteria provided, single submitter. Criteria: ACMG Guidelines, 2015. Collection method: clinical testing. Allele origin: germline. Affected: no.

GeneDx
Classification: Benign. Last evaluated: 2018-11-27. Review status: criteria provided, single submitter. Criteria: GeneDx Variant Classification Process June 2021. Collection method: clinical testing. Allele origin: germline. Affected: yes.

Clinical Genetics DNA and cytogenetics Diagnostics Lab, Erasmus MC, Erasmus Medical Center
Classification: Benign for Aspartylglucosaminuria. Last evaluated: 2017-05-31. Review status: criteria provided, single submitter. Criteria: ACGS Guidelines, 2013. Collection method: clinical testing. Allele origin: germline. Affected: yes. Study: VKGL Data-share Consensus.

Laboratory for Molecular Medicine, Mass General Brigham Personalized Medicine
Classification: Benign. Last evaluated: 2016-03-28. Review status: criteria provided, single submitter. Criteria: LMM Criteria. Collection method: clinical testing. Allele origin: germline.
Comment: Variant identified in a genome or exome case(s) and assessed due to predicted null impact of the variant or pathogenic assertions in the literature or databases. Disclaimer: This variant has not undergone full assessment. The following are preliminary notes: Frequency

Eurofins Ntd Llc (ga)
Classification: Benign. Last evaluated: 2012-12-12. Review status: criteria provided, single submitter. Criteria: EGL Classification Definitions 2015. Collection method: clinical testing. Allele origin: germline. Observed: 1 variant allele, 1 heterozygote.

Breakthrough Genomics
Classification: Likely benign. Review status: criteria provided, single submitter. Criteria: ACMG Guidelines, 2015. Collection method: not provided. Allele origin: germline. Inheritance: Autosomal recessive inheritance. Affected: yes.

PreventionGenetics, part of Exact Sciences
Classification: Benign. Review status: criteria provided, single submitter. Criteria: ACMG Guidelines, 2015. Collection method: clinical testing. Allele origin: germline.

Mayo Clinic Laboratories, Mayo Clinic
Classification: Benign. Last evaluated: 2015-10-22. Review status: no assertion criteria provided. Collection method: clinical testing. Allele origin: unknown. Not counted in ClinVar's aggregate classification.

Diagnostic Laboratory, Department of Genetics, University Medical Center Groningen
Classification: Benign for Aspartylglucosaminuria. Review status: no assertion criteria provided. Collection method: clinical testing. Allele origin: germline. Affected: yes. Study: VKGL Data-share Consensus. Not counted in ClinVar's aggregate classification.

Dr. Peter K. Rogan Lab, Western University
No classification provided (evidence only). Condition: Malignant lymphoma, large B-cell, diffuse. Review status: no classification provided. Collection method: in vitro. Allele origin: not applicable. Functional consequence: retained intron. Not counted in ClinVar's aggregate classification.

Dr. Peter K. Rogan Lab, Western University
No classification provided (evidence only). Condition: Malignant lymphoma, large B-cell, diffuse. Review status: no classification provided. Collection method: in vitro. Allele origin: not applicable. Functional consequence: retained intron. Not counted in ClinVar's aggregate classification.

Dr. Peter K. Rogan Lab, Western University
No classification provided (evidence only). Condition: Hepatocellular carcinoma. Review status: no classification provided. Collection method: in vitro. Allele origin: not applicable. Functional consequence: retained intron. Not counted in ClinVar's aggregate classification.